The following is an entry in ClinVar:

NM_000196.4(HSD11B2):c.1010_1012del (p.Arg337_Tyr338delinsHis)

Gene: HSD11B2 (hydroxysteroid 11-beta dehydrogenase 2; plus strand). Cytogenetic location: 16q22.1.
Variant type: Deletion.
Coding change: c.1010_1012del on transcript NM_000196.4 (MANE Select); coding-DNA positions 1010 to 1012, 3 bases deleted (GCT; older notation c.1010_1012delGCT).
Protein change: p.Arg337_Tyr338delinsHis.
Molecular consequence: inframe indel.
Genome position (GRCh38, 1-based): chr16:67,436,795-67,436,797, GCT deleted. VCF-style (leftmost placement, unchanged base first): chr16-67436794-CGCT-C. GRCh37 (hg19) VCF-style: chr16-67470697-CGCT-C.
Identifiers: ClinVar variation 12097 (VCV000012097.5), dbSNP rs397509434, ClinGen allele CA121883.

ClinVar aggregate classification (germline): Pathogenic/Likely pathogenic. Review status: criteria provided, multiple submitters, no conflicts (2 of 4 stars). 3 submissions from 3 submitters: Pathogenic (1); Likely pathogenic (1). 1 of the submissions does not count toward it. Last evaluated 2024-03-24.

Conditions:
Apparent mineralocorticoid excess (AME). Also called: CORTISOL 11-BETA-KETOREDUCTASE DEFICIENCY. Identifiers: Orphanet 320, MedGen C0342488, MONDO:0009025, OMIM 218030.

Allele frequency attached by ClinVar (database versions not stated): TOPMed 0.00001; gnomAD exomes 0.00002 and 0.00001; gnomAD 0.00001; ExAC 0.00001.

Submissions (3):

Labcorp Genetics (formerly Invitae), Labcorp
Classification: Pathogenic. Last evaluated: 2024-03-24. Review status: criteria provided, single submitter. Criteria: Invitae Variant Classification Sherloc (09022015). Collection method: clinical testing. Allele origin: germline.
Comment: This variant, c.1010_1012del, is a complex sequence change that results in the deletion of 2 and insertion of 1 amino acid(s) in the HSD11B2 protein (p.Arg337_Tyr338delinsHis). This variant is present in population databases (rs397509434, gnomAD 0.004%). This variant has been observed in individuals with autosomal recessive apparent mineralocorticoid excess (PMID: 7670488, 9398712, 9661590). This variant is also known as R337H,∆Y338. ClinVar contains an entry for this variant (Variation ID: 12097). Algorithms developed to predict the effect of variants on protein structure and function are not available or were not evaluated for this variant. Experimental studies have shown that this variant affects HSD11B2 function (PMID: 7670488). For these reasons, this variant has been classified as Pathogenic.

Fulgent Genetics
Classification: Likely pathogenic for Apparent mineralocorticoid excess. Last evaluated: 2021-12-22. Review status: criteria provided, single submitter. Criteria: ACMG Guidelines, 2015. Collection method: clinical testing. Allele origin: unknown.

OMIM
Classification: Pathogenic for APPARENT MINERALOCORTICOID EXCESS. Last evaluated: 1997-12-01. Review status: no assertion criteria provided. Collection method: literature only. Allele origin: germline. Not counted in ClinVar's aggregate classification.

Literature cited by the submitters: PubMed 7670488 (cited by Labcorp Genetics (formerly Invitae), Labcorp); PubMed 9398712 (cited by Labcorp Genetics (formerly Invitae), Labcorp and OMIM); PubMed 9661590 (cited by Labcorp Genetics (formerly Invitae), Labcorp).